The following is an entry in ClinVar:

ClinVar aggregate classification (germline): Conflicting classifications of pathogenicity. Review status: criteria provided, conflicting classifications (1 of 4 stars). 2 submissions from 2 submitters: Uncertain significance (1); Likely benign (1). Last evaluated 2025-01-19.

Conditions:
Hereditary cancer-predisposing syndrome. Also called: Tumor predisposition; Hereditary neoplastic syndrome; Neoplastic Syndromes, Hereditary; Hereditary Cancer Syndrome. Identifiers: Orphanet 140162, MedGen C0027672, MeSH D009386, MONDO:0015356.

Submissions (2):

Labcorp Genetics (formerly Invitae), Labcorp
Classification: Uncertain significance. Last evaluated: 2025-01-19. Review status: criteria provided, single submitter. Criteria: Invitae Variant Classification Sherloc (09022015). Collection method: clinical testing. Allele origin: germline.
Comment: This sequence change replaces valine, which is neutral and non-polar, with alanine, which is neutral and non-polar, at codon 104 of the MSH3 protein (p.Val104Ala). This variant is not present in population databases (gnomAD no frequency). This variant has not been reported in the literature in individuals affected with MSH3-related conditions. ClinVar contains an entry for this variant (Variation ID: 1362227). An algorithm developed to predict the effect of missense changes on protein structure and function outputs the following: PolyPhen-2: "Benign". The alanine amino acid residue is found in multiple mammalian species, which suggests that this missense change does not adversely affect protein function. In summary, the available evidence is currently insufficient to determine the role of this variant in disease. Therefore, it has been classified as a Variant of Uncertain Significance.

Ambry Genetics
Classification: Likely benign for Hereditary cancer-predisposing syndrome. Last evaluated: 2022-12-26. Review status: criteria provided, single submitter. Criteria: Ambry Variant Classification Scheme 2023. Collection method: clinical testing. Allele origin: germline.

NM_002439.5(MSH3):c.311T>C (p.Val104Ala)

Gene: MSH3 (mutS homolog 3; plus strand). Cytogenetic location: 5q14.1.
Variant type: single nucleotide variant.
Coding change: c.311T>C on transcript NM_002439.5 (MANE Select); coding-DNA position 311, T replaced by C.
Protein change: p.Val104Ala; replaces valine 104 with alanine.
Molecular consequence: missense variant.
Genome position (GRCh38, 1-based): chr5:80,656,484, T>C. VCF-style: chr5-80656484-T-C. GRCh37 (hg19) VCF-style: chr5-79952303-T-C.
Other names: c.311T>C (NM_002439.3); short protein forms V104A.
Identifiers: ClinVar variation 1362227 (VCV001362227.9), dbSNP rs1749289926, ClinGen allele CA360266378.